The following is an entry in ClinVar:

NM_001363711.2(DUOX2):c.1168CTG[2] (p.Leu392del)

Gene: DUOX2 (dual oxidase 2; minus strand). Cytogenetic location: 15q21.1.
Variant type: Microsatellite.
Coding change: c.1168CTG[2] on transcript NM_001363711.2 (MANE Select); two copies in a row of the 3-base unit CTG starting at c.1168; the reference has three copies in a row; one copy, 3 bases deleted.
Protein change: p.Leu392del; deletes leucine 392.
Molecular consequence: inframe deletion.
Genome position (GRCh38, 1-based): chr15:45,109,582-45,109,584, CAG deleted on the plus strand (CTG on the coding strand, the reverse complement: DUOX2 is on the minus strand); deleting any 3 consecutive bases within chr15:45,109,582-45,109,591 gives the same sequence; the position shown is the placement nearest the transcript's 3' end. VCF-style (leftmost placement, unchanged base first): chr15-45109581-CCAG-C. GRCh37 (hg19) VCF-style: chr15-45401779-CCAG-C.
Other names: c.1168CTG[2], p.Leu392del (NM_014080.5); short protein forms L392del.
Identifiers: ClinVar variation 1461277 (VCV001461277.6), dbSNP rs2141155237, ClinGen allele CA2580613808.

ClinVar aggregate classification (germline): Uncertain significance (1 of 4 stars; one submission).

Submission:

Labcorp Genetics (formerly Invitae), Labcorp
Classification: Uncertain significance. Last evaluated: 2025-03-03. Review status: criteria provided, single submitter. Criteria: Invitae Variant Classification Sherloc (09022015). Collection method: clinical testing. Allele origin: germline.
Comment: This variant, c.1174_1176del, results in the deletion of 1 amino acid(s) of the DUOX2 protein (p.Leu392del), but otherwise preserves the integrity of the reading frame. This variant is not present in population databases (gnomAD no frequency). This variant has not been reported in the literature in individuals affected with DUOX2-related conditions. Experimental studies and prediction algorithms are not available or were not evaluated, and the functional significance of this variant is currently unknown. In summary, the available evidence is currently insufficient to determine the role of this variant in disease. Therefore, it has been classified as a Variant of Uncertain Significance.